The following is an entry in ClinVar:

NM_002225.5(IVD):c.1243G>A (p.Gly415Ser)

Gene: IVD (isovaleryl-CoA dehydrogenase; plus strand). Cytogenetic location: 15q15.1.
Variant type: single nucleotide variant.
Coding change: c.1243G>A on transcript NM_002225.5 (MANE Select); coding-DNA position 1243, G replaced by A.
Protein change: p.Gly415Ser; replaces glycine 415 with serine.
Molecular consequence: missense variant. On other transcripts: intron variant (3).
Genome position (GRCh38, 1-based): chr15:40,418,234, G>A. VCF-style: chr15-40418234-G-A. GRCh37 (hg19) VCF-style: chr15-40710433-G-A.
Other names: c.1153G>A, p.Gly385Ser (NM_001159508.3); c.1195G>A, p.Gly399Ser (NM_001354597.3); c.1330G>A, p.Gly444Ser (NM_001354599.3); c.1225+1872G>A (NM_001354600.3); c.1138+1872G>A (NM_001354598.3, NM_001354601.3); short protein forms G415S, G444S, G385S, G399S.
Identifiers: ClinVar variation 203784 (VCV000203784.17), dbSNP rs150855952, ClinGen allele CA312654.

ClinVar aggregate classification (germline): Conflicting classifications of pathogenicity. Review status: criteria provided, conflicting classifications (1 of 4 stars). 5 submissions from 5 submitters: Likely pathogenic (3); Uncertain significance (2). Last evaluated 2026-06-03.

Conditions:
IVD-related disorder. Also called: IVD-related condition.
Isovaleryl-CoA dehydrogenase deficiency (IVA). Also called: ISOVALERIC ACID CoA DEHYDROGENASE DEFICIENCY; Classic Isovaleric Acidemia; Isovaleric acidemia; IVD DEFICIENCY. Identifiers: Orphanet 33, MedGen C0268575, MONDO:0009475, OMIM 243500.

Allele frequency attached by ClinVar (database versions not stated): gnomAD exomes 0.00001 and 0.00002; ExAC 0.00002; gnomAD 0.00003 and 0.00004; TOPMed 0.00003; ESP Exome Variant Server 0.00008.

Submissions (5):

Myriad Genetics, Inc.
Classification: Uncertain significance for Isovaleryl-CoA dehydrogenase deficiency. Last evaluated: 2026-06-03. Review status: criteria provided, single submitter. Criteria: Myriad Autosomal Dominant, Autosomal Recessive and X-Linked Classification Criteria (2023). Collection method: clinical testing. Allele origin: unknown.
Comment: NM_002225.3(IVD):c.1252G>A(G418S) is a missense variant classified as a variant of uncertain significance in the context of isovaleric acidemia. G418S has been observed in cases with relevant disease (PMID: 37429829). Relevant functional assessments of this variant are not available in the literature. G418S has been observed in referenced population frequency databases. In summary, there is insufficient evidence to classify NM_002225.3(IVD):c.1252G>A(G418S) as pathogenic or benign. Please note: this variant was assessed in the context of healthy population screening.

Natera, Inc.
Classification: Likely pathogenic for Isovaleryl-coa dehydrogenase deficiency. Last evaluated: 2025-08-20. Review status: criteria provided, single submitter. Criteria: Natera Variant Classification Schema (03/2026). Collection method: clinical testing. Allele origin: germline.
Comment: The c.1252G>A variant in IVD is a missense variant predicted to cause substitution of glycine to serine at amino acid 418. This variant is rare in the general population with a frequency below the threshold expected for the associated phenotype(s). This variant has been observed in one or more individuals affected with the associated recessive disease, as either homozygous or compound heterozygous with a second variant (PMID: 33496032, 37429829). This variant has been identified in one or more affected individuals with a phenotype highly consistent with the associated gene (PMID: 33496032, 37429829). Computational prediction algorithms indicate this variant is likely to affect gene or protein function. Given the available evidence, this variant is classified as Likely Pathogenic.

Labcorp Genetics (formerly Invitae), Labcorp
Classification: Uncertain significance for Isovaleryl-CoA dehydrogenase deficiency. Last evaluated: 2025-06-02. Review status: criteria provided, single submitter. Criteria: Invitae Variant Classification Sherloc (09022015). Collection method: clinical testing. Allele origin: germline.
Comment: This sequence change replaces glycine, which is neutral and non-polar, with serine, which is neutral and polar, at codon 418 of the IVD protein (p.Gly418Ser). This variant is present in population databases (rs150855952, gnomAD 0.01%). This missense change has been observed in individual(s) with isovaleric acidemia (PMID: 33496032; internal data). In at least one individual the data is consistent with being in trans (on the opposite chromosome) from a pathogenic variant. ClinVar contains an entry for this variant (Variation ID: 203784). An algorithm developed to predict the effect of missense changes on protein structure and function (PolyPhen-2) suggests that this variant is likely to be disruptive. In summary, the available evidence is currently insufficient to determine the role of this variant in disease. Therefore, it has been classified as a Variant of Uncertain Significance.

PreventionGenetics, part of Exact Sciences
Classification: Likely pathogenic for IVD-related condition. Last evaluated: 2024-10-14. Review status: criteria provided, single submitter. Criteria: ACMG Guidelines, 2015. Collection method: clinical testing. Allele origin: germline.
Comment: The IVD c.1252G>A variant is predicted to result in the amino acid substitution p.Gly418Ser. This variant has been reported in the compound heterozygous state in three individuals from two families with confirmed isovaleric acidemia (IVA, Mütze et al. 2021. PubMed ID: 33496032). At PreventionGenetics, we previously identified this variant in several other patients with IVA, including one homozygote. Although the c.1252G>A variant is located less than 30 nucleotides from the stop codon, other nearby missense changes have been reported to be causative for IVA (p.Glu411Lys, p.Arg414Trp, p.Arg414Leu, Human Gene Mutation Database). This variant is reported in 0.012% of alleles in individuals of African descent in gnomAD. This variant is interpreted as likely pathogenic.

Fulgent Genetics
Classification: Likely pathogenic for Isovaleryl-CoA dehydrogenase deficiency. Last evaluated: 2024-03-29. Review status: criteria provided, single submitter. Criteria: ACMG Guidelines, 2015. Collection method: clinical testing. Allele origin: germline.

Literature cited by the submitters: PubMed 37429829 (cited by Myriad Genetics, Inc. and Natera, Inc.); PubMed 33496032 (cited by Natera, Inc. and Labcorp Genetics (formerly Invitae), Labcorp).